The following is an entry in ClinVar:

NM_016532.4(INPP5K):c.914C>T (p.Thr305Met)

Gene: INPP5K (inositol polyphosphate-5-phosphatase K; minus strand). Cytogenetic location: 17p13.3.
Variant type: single nucleotide variant.
Coding change: c.914C>T on transcript NM_016532.4 (MANE Select); coding-DNA position 914, C replaced by T.
Protein change: p.Thr305Met; replaces threonine 305 with methionine.
Molecular consequence: missense variant.
Genome position (GRCh38, 1-based): chr17:1,497,985, G>A on the plus strand (C>T on the coding strand, the complement: INPP5K is on the minus strand). VCF-style: chr17-1497985-G-A. GRCh37 (hg19) VCF-style: chr17-1401279-G-A.
Other names: p.Thr305Met; c.686C>T, p.Thr229Met (NM_001135642.2, NM_130766.3); short protein forms T305M, T229M.
Identifiers: ClinVar variation 791338 (VCV000791338.30), dbSNP rs79971656, ClinGen allele CA8268434.

ClinVar aggregate classification (germline): Benign. Review status: criteria provided, multiple submitters, no conflicts (2 of 4 stars). 4 submissions from 4 submitters: Benign (3). 1 of the submissions does not count toward it. Last evaluated 2024-12-30.

Conditions:
INPP5K-related disorder. Also called: INPP5K-related condition.

Allele frequency attached by ClinVar (database versions not stated): gnomAD exomes 0.00062 and 0.00133; ExAC 0.00153; gnomAD 0.00415 and 0.00444; 1000 Genomes Project 0.00419; 1000 Genomes Project 30x 0.00437; TOPMed 0.00473; ESP Exome Variant Server 0.00500.
gnomAD v4.1: 1,539 of 1,614,130 alleles (0.095%); highest among the groups gnomAD compares: African/African-American, 1.6%; 9 homozygotes.

Submissions (4):

Mayo Clinic Laboratories, Mayo Clinic
Classification: Benign. Last evaluated: 2024-12-30. Review status: criteria provided, single submitter. Criteria: ACMG Guidelines, 2015. Collection method: clinical testing. Allele origin: germline. Observed: 1 variant allele.
Comment: BA1, BP4

CeGaT Center for Human Genetics Tuebingen
Classification: Benign. Last evaluated: 2023-02-01. Review status: criteria provided, single submitter. Criteria: CeGaT Center For Human Genetics Tuebingen Variant Classification Criteria Version 2. Collection method: clinical testing. Allele origin: germline. Affected: yes. Observed: 1 variant allele.
Comment: INPP5K: BS1, BS2

Labcorp Genetics (formerly Invitae), Labcorp
Classification: Benign. Last evaluated: 2019-12-31. Review status: criteria provided, single submitter. Criteria: Invitae Variant Classification Sherloc (09022015). Collection method: clinical testing. Allele origin: germline.

PreventionGenetics, part of Exact Sciences
Classification: Benign for INPP5K-related condition. Last evaluated: 2019-03-21. Review status: no assertion criteria provided. Collection method: clinical testing. Allele origin: germline. Not counted in ClinVar's aggregate classification.
Comment: This variant is classified as benign based on ACMG/AMP sequence variant interpretation guidelines (Richards et al. 2015 PMID: 25741868, with internal and published modifications).